The following is an entry in ClinVar:

NM_005045.4(RELN):c.4936+1G>T

Gene: RELN (reelin; minus strand). Cytogenetic location: 7q22.1.
Variant type: single nucleotide variant.
Coding change: c.4936+1G>T on transcript NM_005045.4 (MANE Select); the canonical splice donor site of the intron after coding-DNA position 4936, G replaced by T.
Molecular consequence: splice donor variant.
Genome position (GRCh38, 1-based): chr7:103,566,223, C>A on the plus strand (G>T on the coding strand, the complement: RELN is on the minus strand). VCF-style: chr7-103566223-C-A. GRCh37 (hg19) VCF-style: chr7-103206670-C-A.
Other names: c.4936+1G>T (NM_173054.3).
Identifiers: ClinVar variation 2952178 (VCV002952178.3), dbSNP rs2484743002, ClinGen allele CA368747546.

ClinVar aggregate classification (germline): Likely pathogenic (1 of 4 stars; one submission).

Conditions:
Norman-Roberts syndrome (LIS2). Also called: Lissencephaly 2 (Norman-Roberts type). Identifiers: Orphanet 89844, MedGen C0796089, MONDO:0009760, OMIM 257320.
Familial temporal lobe epilepsy 7. Identifiers: Orphanet 101046, MedGen C4225327, MONDO:0014639, OMIM 616436.

Allele frequency attached by ClinVar (database versions not stated): gnomAD exomes below 0.00001.
gnomAD v4.1: 1 of 1,609,022 alleles (0.000062%); highest among the groups gnomAD compares: Non-Finnish European, 0.000085%; no homozygotes.

Submission:

Labcorp Genetics (formerly Invitae), Labcorp
Classification: Likely pathogenic for Familial temporal lobe epilepsy 7; Norman-Roberts syndrome. Last evaluated: 2023-11-03. Review status: criteria provided, single submitter. Criteria: Invitae Variant Classification Sherloc (09022015). Collection method: clinical testing. Allele origin: germline.
Comment: This sequence change affects a donor splice site in intron 33 of the RELN gene. It is expected to disrupt RNA splicing. Variants that disrupt the donor or acceptor splice site typically lead to a loss of protein function (PMID: 16199547), and loss-of-function variants in RELN are known to be pathogenic (PMID: 10973257, 26046367, 28454995). This variant is not present in population databases (gnomAD no frequency). This variant has not been reported in the literature in individuals affected with RELN-related conditions. Algorithms developed to predict the effect of sequence changes on RNA splicing suggest that this variant may disrupt the consensus splice site. In summary, the currently available evidence indicates that the variant is pathogenic, but additional data are needed to prove that conclusively. Therefore, this variant has been classified as Likely Pathogenic.

Literature cited by the submitters: PubMed 16199547; PubMed 10973257; PubMed 26046367; PubMed 28454995.